The following is an entry in ClinVar:

NM_000038.6(APC):c.5537A>G (p.Tyr1846Cys)

Gene: APC (APC regulator of Wnt signaling pathway; plus strand). Cytogenetic location: 5q22.2.
Variant type: single nucleotide variant.
Coding change: c.5537A>G on transcript NM_000038.6 (MANE Select); coding-DNA position 5537, A replaced by G.
Protein change: p.Tyr1846Cys; replaces tyrosine 1846 with cysteine.
Molecular consequence: missense variant. On other transcripts: non-coding transcript variant (2).
Genome position (GRCh38, 1-based): chr5:112,841,131, A>G. VCF-style: chr5-112841131-A-G. GRCh37 (hg19) VCF-style: chr5-112176828-A-G.
Other names: c.5537A>G, p.Tyr1846Cys (NM_001127510.3, NM_001354895.2, NM_001407450.1); c.5483A>G, p.Tyr1828Cys (NM_001127511.3); c.5591A>G, p.Tyr1864Cys (NM_001354896.2, NM_001407447.1, NM_001407448.1 and 1 more transcripts); c.5567A>G, p.Tyr1856Cys (NM_001354897.2); c.5462A>G, p.Tyr1821Cys (NM_001354898.2); c.5453A>G, p.Tyr1818Cys (NM_001354899.2); c.5414A>G, p.Tyr1805Cys (NM_001354900.2); c.5360A>G, p.Tyr1787Cys (NM_001354901.2, NM_001407453.1); and 11 more; short protein forms Y1462C, Y1563C, Y1686C, Y1717C, Y1720C, Y1745C, Y1755C, Y1763C.
Identifiers: ClinVar variation 3230763 (VCV003230763.2), dbSNP rs2149942696, ClinGen allele CA16033448.

ClinVar aggregate classification (germline): Uncertain significance. Review status: criteria provided, multiple submitters, no conflicts (2 of 4 stars). 2 submissions from 2 submitters: Uncertain significance (2). Last evaluated 2025-07-29.

Conditions:
Hereditary cancer-predisposing syndrome. Also called: Neoplastic Syndromes, Hereditary; Tumor predisposition; Hereditary neoplastic syndrome; Hereditary Cancer Syndrome. Identifiers: Orphanet 140162, MedGen C0027672, MeSH D009386, MONDO:0015356.

Submissions (2):

Color Diagnostics, LLC DBA Color Health
Classification: Uncertain significance for Hereditary cancer-predisposing syndrome. Last evaluated: 2025-07-29. Review status: criteria provided, single submitter. Criteria: ACMG Guidelines, 2015. Collection method: clinical testing. Allele origin: germline.
Comment: This missense variant replaces tyrosine with cysteine at codon 1846 of the APC protein. Computational prediction suggests that this variant may have deleterious impact on protein structure and function. To our knowledge, functional studies have not been reported for this variant. This variant has not been reported in individuals affected with APC-related disorders in the literature. This variant has not been identified in the general population by the Genome Aggregation Database (gnomAD). The available evidence is insufficient to determine the role of this variant in disease conclusively. Therefore, this variant is classified as a Variant of Uncertain Significance.

Ambry Genetics
Classification: Uncertain significance for Hereditary cancer-predisposing syndrome. Last evaluated: 2023-11-10. Review status: criteria provided, single submitter. Criteria: Ambry Variant Classification Scheme 2023. Collection method: clinical testing. Allele origin: germline.
Comment: The p.Y1846C variant (also known as c.5537A>G), located in coding exon 15 of the APC gene, results from an A to G substitution at nucleotide position 5537. The tyrosine at codon 1846 is replaced by cysteine, an amino acid with highly dissimilar properties. This amino acid position is conserved. In addition, in silico predictors for this gene do not accurately predict pathogenicity. Since supporting evidence is limited at this time, the clinical significance of this alteration remains unclear.